The following is an entry in ClinVar:

NM_002890.3(RASA1):c.2795dup (p.Leu932fs)

Genes: CCNH (cyclin H; minus strand), RASA1 (RAS p21 protein activator 1; plus strand). Cytogenetic location: 5q14.3.
Variant type: Duplication.
Coding change: c.2795dup on transcript NM_002890.3 (MANE Select); coding-DNA position 2795, one base duplicated (T; older notation c.2795dupT).
Protein change: p.Leu932fs; shifts the reading frame from leucine 932.
Molecular consequence: frameshift variant. On other transcripts: intron variant (1).
Genome position (GRCh38, 1-based): chr5:87,385,337, T duplicated; the last of 2 consecutive T bases (chr5:87,385,336-87,385,337); duplicating either gives the same sequence. VCF-style (leftmost placement, unchanged base first): chr5-87385335-A-AT. GRCh37 (hg19) VCF-style: chr5-86681152-A-AT.
Other names: c.2264dup, p.Leu755fs (NM_022650.3); c.933+9708dup (NM_001364075.2); short protein forms L932fs, L755fs.
Identifiers: ClinVar variation 2044683 (VCV002044683.4), dbSNP rs2531380191, ClinGen allele CA2580073698.

ClinVar aggregate classification (germline): Pathogenic (1 of 4 stars; one submission).

Conditions:
Capillary malformation-arteriovenous malformation syndrome. Also called: Capillary malformation-arteriovenous malformation. Identifiers: Orphanet 137667, MedGen C1842180, MONDO:0012016.

Submission:

Labcorp Genetics (formerly Invitae), Labcorp
Classification: Pathogenic for Capillary malformation-arteriovenous malformation syndrome. Last evaluated: 2022-05-28. Review status: criteria provided, single submitter. Criteria: Invitae Variant Classification Sherloc (09022015). Collection method: clinical testing. Allele origin: germline.
Comment: This sequence change creates a premature translational stop signal (p.Leu932Phefs*4) in the RASA1 gene. It is expected to result in an absent or disrupted protein product. Loss-of-function variants in RASA1 are known to be pathogenic (PMID: 24038909). This variant is not present in population databases (gnomAD no frequency). This variant has not been reported in the literature in individuals affected with RASA1-related conditions. For these reasons, this variant has been classified as Pathogenic.

Literature cited by the submitters: PubMed 24038909.